The following is an entry in ClinVar:

ClinVar aggregate classification (germline): Benign. Review status: criteria provided, multiple submitters, no conflicts (2 of 4 stars). 2 submissions from 2 submitters: Benign (2). Last evaluated 2018-06-14.

Allele frequency attached by ClinVar (database versions not stated): ESP Exome Variant Server 0.06137; gnomAD exomes 0.06736 and 0.09718; gnomAD 0.07519 and 0.08093; TOPMed 0.07531; 1000 Genomes Project 30x 0.12399; 1000 Genomes Project 0.12879; ExAC 0.18477.
gnomAD v4.1: 106,635 of 1,543,000 alleles (6.9%); highest among the groups gnomAD compares: East Asian, 21%; 5,475 homozygotes.

Submissions (2):

GeneDx
Classification: Benign. Last evaluated: 2018-06-14. Review status: criteria provided, single submitter. Criteria: GeneDx Variant Classification (06012015). Collection method: clinical testing. Allele origin: germline. Affected: yes.
Comment: This variant is considered likely benign or benign based on one or more of the following criteria: it is a conservative change, it occurs at a poorly conserved position in the protein, it is predicted to be benign by multiple in silico algorithms, and/or has population frequency not consistent with disease.

Breakthrough Genomics
Classification: Benign. Review status: criteria provided, single submitter. Criteria: ACMG Guidelines, 2015. Collection method: not provided. Allele origin: germline. Inheritance: Autosomal dominant inheritance. Affected: yes.

NM_006087.4(TUBB4A):c.57+30G>T

Genes: TUBB4A (tubulin beta 4A class IVa; minus strand), LOC130063295 (ATAC-STARR-seq lymphoblastoid silent region 9955; plus strand). Cytogenetic location: 19p13.3.
Variant type: single nucleotide variant.
Coding change: c.57+30G>T on transcript NM_006087.4 (MANE Select); 30 bases into the intron after coding-DNA position 57, G replaced by T.
Molecular consequence: intron variant.
Genome position (GRCh38, 1-based): chr19:6,502,126, C>A on the plus strand (G>T on the coding strand, the complement: TUBB4A is on the minus strand). VCF-style: chr19-6502126-C-A. GRCh37 (hg19) VCF-style: chr19-6502137-C-A.
Other names: c.57+30G>T (NM_001289129.2); c.192+30G>T (NM_001289127.2); c.210+30G>T (NM_001289123.2); c.-117+63G>T (NM_001289131.2); c.-117+30G>T (NM_001289130.2).
Identifiers: ClinVar variation 670260 (VCV000670260.2), dbSNP rs390530, ClinGen allele CA9127479.